The following is an entry in ClinVar:

ClinVar aggregate classification (germline): Pathogenic (1 of 4 stars; one submission).

Conditions:
Acyl-CoA oxidase deficiency. Also called: Pseudoneonatal adrenoleukodystrophy; Peroxisomal acyl-CoA oxidase deficiency; STRAIGHT-CHAIN ACYL-CoA OXIDASE DEFICIENCY. Identifiers: Orphanet 2971, MedGen C1849678, MONDO:0009919, OMIM 264470. Disease mechanism: loss of function.

Allele frequency attached by ClinVar (database versions not stated): gnomAD exomes below 0.00001.

Submission:

Labcorp Genetics (formerly Invitae), Labcorp
Classification: Pathogenic for Acyl-CoA oxidase deficiency. Last evaluated: 2024-01-13. Review status: criteria provided, single submitter. Criteria: Invitae Variant Classification Sherloc (09022015). Collection method: clinical testing. Allele origin: germline.
Comment: This sequence change creates a premature translational stop signal (p.Gln327*) in the ACOX1 gene. It is expected to result in an absent or disrupted protein product. Loss-of-function variants in ACOX1 are known to be pathogenic (PMID: 8040306, 17458872). This variant is not present in population databases (gnomAD no frequency). This variant has not been reported in the literature in individuals affected with ACOX1-related conditions. For these reasons, this variant has been classified as Pathogenic.

Literature cited by the submitters: PubMed 8040306; PubMed 17458872.

NM_004035.7(ACOX1):c.979C>T (p.Gln327Ter)

Gene: ACOX1 (acyl-CoA oxidase 1; minus strand). Cytogenetic location: 17q25.1.
Variant type: single nucleotide variant.
Coding change: c.979C>T on transcript NM_004035.7 (MANE Select); coding-DNA position 979, C replaced by T.
Protein change: p.Gln327Ter; replaces glutamine 327 with a stop codon.
Molecular consequence: nonsense.
Genome position (GRCh38, 1-based): chr17:75,951,543, G>A on the plus strand (C>T on the coding strand, the complement: ACOX1 is on the minus strand). VCF-style: chr17-75951543-G-A. GRCh37 (hg19) VCF-style: chr17-73947624-G-A.
Other names: c.865C>T, p.Gln289Ter (NM_001185039.2); c.979C>T, p.Gln327Ter (NM_007292.6); short protein forms Q289*, Q327*.
Identifiers: ClinVar variation 2708348 (VCV002708348.3), dbSNP rs1423636259, ClinGen allele CA401064390.